The following is an entry in ClinVar:

NM_017514.5(PLXNA3):c.4796-8T>C

Gene: PLXNA3 (plexin A3; plus strand). Cytogenetic location: Xq28.
Variant type: single nucleotide variant.
Coding change: c.4796-8T>C on transcript NM_017514.5 (MANE Select); 8 bases into the intron before coding-DNA position 4796, T replaced by C.
Molecular consequence: intron variant.
Genome position (GRCh38, 1-based): chrX:154,469,969, T>C. VCF-style: chrX-154469969-T-C. GRCh37 (hg19) VCF-style: chrX-153698312-T-C.
Identifiers: ClinVar variation 3029662 (VCV003029662.2), dbSNP rs2069158147, ClinGen allele CA2466697979.

ClinVar aggregate classification (germline): Likely benign (0 of 4 stars; one submission).

Conditions:
PLXNA3-related disorder. Also called: PLXNA3-related condition.

Allele frequency attached by ClinVar (database versions not stated): TOPMed below 0.00001.

Submission:

PreventionGenetics, part of Exact Sciences
Classification: Likely benign for PLXNA3-related condition. Last evaluated: 2023-10-06. Review status: no assertion criteria provided. Collection method: clinical testing. Allele origin: germline.
Comment: This variant is classified as likely benign based on ACMG/AMP sequence variant interpretation guidelines (Richards et al. 2015 PMID: 25741868, with internal and published modifications).